The following is an entry in ClinVar:

ClinVar aggregate classification (germline): Uncertain significance. Review status: criteria provided, multiple submitters, no conflicts (2 of 4 stars). 4 submissions from 4 submitters: Uncertain significance (4). Last evaluated 2025-12-19.

Conditions:
Macrothrombocytopenia and granulocyte inclusions with or without nephritis or sensorineural hearing loss (MATINS). Also called: MAY-HEGGLIN ANOMALY; BLEEDING DISORDER, PLATELET-TYPE, 6; DOHLE LEUKOCYTE INCLUSIONS WITH GIANT PLATELETS; SEBASTIAN PLATELET SYNDROME; MACROTHROMBOCYTOPENIA WITH DISPERSED LEUKOCYTIC INCLUSIONS; MACROTHROMBOCYTOPENIA, NEPHRITIS, AND DEAFNESS. Identifiers: Orphanet 182050, MedGen C5200934, MONDO:0015912, OMIM 155100.

Allele frequency attached by ClinVar (database versions not stated): gnomAD 0.00001; gnomAD exomes 0.00001 and 0.00002; ExAC 0.00002; TOPMed 0.00002.
gnomAD v4.1: 15 of 1,613,198 alleles (0.00093%); highest among the groups gnomAD compares: Admixed American, 0.005%; no homozygotes.

Submissions (4):

Labcorp Genetics (formerly Invitae), Labcorp
Classification: Uncertain significance. Last evaluated: 2025-12-19. Review status: criteria provided, single submitter. Criteria: Invitae Variant Classification Sherloc (09022015). Collection method: clinical testing. Allele origin: germline.
Comment: This sequence change replaces arginine, which is basic and polar, with cysteine, which is neutral and slightly polar, at codon 693 of the MYH9 protein (p.Arg693Cys). This variant is present in population databases (rs751852988, gnomAD 0.009%). This missense change has been observed in individual(s) with neurodevelopmental disorders (PMID: 33004838). ClinVar contains an entry for this variant (Variation ID: 517475). Invitae Evidence Modeling of protein sequence and biophysical properties (such as structural, functional, and spatial information, amino acid conservation, physicochemical variation, residue mobility, and thermodynamic stability) has been performed for this missense variant. However, the output from this modeling did not meet the statistical confidence thresholds required to predict the impact of this variant on MYH9 protein function. In summary, the available evidence is currently insufficient to determine the role of this variant in disease. Therefore, it has been classified as a Variant of Uncertain Significance.

Genomic Medicine Center of Excellence, King Faisal Specialist Hospital and Research Centre
Classification: Uncertain significance for Macrothrombocytopenia and granulocyte inclusions with or without nephritis or sensorineural hearing loss. Last evaluated: 2024-04-04. Review status: criteria provided, single submitter. Criteria: ACMG Guidelines, 2015. Collection method: clinical testing. Allele origin: germline.

GeneDx
Classification: Uncertain significance. Last evaluated: 2019-10-29. Review status: criteria provided, single submitter. Criteria: GeneDx Variant Classification Process June 2021. Collection method: clinical testing. Allele origin: germline. Affected: yes.
Comment: In silico analysis, which includes protein predictors and evolutionary conservation, supports a deleterious effect; Has not been previously published as pathogenic or benign to our knowledge

Laboratory for Molecular Medicine, Mass General Brigham Personalized Medicine
Classification: Uncertain significance. Last evaluated: 2017-07-25. Review status: criteria provided, single submitter. Criteria: LMM Criteria. Collection method: clinical testing. Allele origin: germline. Observed: 1 variant allele.
Comment: The p.Arg693Cys variant in MYH9 has not been previously reported in individuals with hearing loss, but has been identified in 3/33580 Latino chromosomes by the Genome Aggregation Database (gnomAD; dbSNP rs7 51852988). Although this variant has been seen in the general population, its fr equency is not high enough to rule out a pathogenic role. Computational predicti on tools and conservation analysis suggest that the variant may impact the prote in, though this information is not predictive enough to determine pathogenicity. In summary, the clinical significance of the p.Arg693Cys variant is uncertain.

Literature cited by the submitters: PubMed 33004838 (cited by Labcorp Genetics (formerly Invitae), Labcorp).

NM_002473.6(MYH9):c.2077C>T (p.Arg693Cys)

Gene: MYH9 (myosin heavy chain 9; minus strand). Cytogenetic location: 22q12.3.
Variant type: single nucleotide variant.
Coding change: c.2077C>T on transcript NM_002473.6 (MANE Select); coding-DNA position 2077, C replaced by T.
Protein change: p.Arg693Cys; replaces arginine 693 with cysteine.
Molecular consequence: missense variant.
Genome position (GRCh38, 1-based): chr22:36,306,012, G>A on the plus strand (C>T on the coding strand, the complement: MYH9 is on the minus strand). VCF-style: chr22-36306012-G-A. GRCh37 (hg19) VCF-style: chr22-36702058-G-A.
Other names: short protein forms R693C.
Identifiers: ClinVar variation 517475 (VCV000517475.10), dbSNP rs751852988, ClinGen allele CA10210093.
Genomic context (GRCh38, chr22:36,306,012, plus strand): 5'-CCACCCTGTTGGGGAAGCCCTGGCGGCAGATACGGATGCCCTCGAGAACACCGTTGCAGC[G>A]CAGCTGGTCCAGCACGAGATGCGGGTCCAGCTTGCCGGCCTGGAGAAGAAAACACATGCA-3'
Protein context (NP_002464.1, residues 683-703): LDPHLVLDQL[Arg693Cys]CNGVLEGIRI